The following is an entry in ClinVar:

NM_001367561.1(DOCK7):c.2968G>C (p.Ala990Pro)

Gene: DOCK7 (dedicator of cytokinesis 7; minus strand). Cytogenetic location: 1p31.3.
Variant type: single nucleotide variant.
Coding change: c.2968G>C on transcript NM_001367561.1 (MANE Select); coding-DNA position 2968, G replaced by C.
Protein change: p.Ala990Pro; replaces alanine 990 with proline.
Molecular consequence: missense variant.
Genome position (GRCh38, 1-based): chr1:62,542,685, C>G on the plus strand (G>C on the coding strand, the complement: DOCK7 is on the minus strand). VCF-style: chr1-62542685-C-G. GRCh37 (hg19) VCF-style: chr1-63008356-C-G.
Other names: c.2968G>C, p.Ala990Pro (NM_001271999.2, NM_001330614.2); c.2875G>C, p.Ala959Pro (NM_001272000.2, NM_001272001.2, NM_033407.4); short protein forms A959P, A990P.
Identifiers: ClinVar variation 1473228 (VCV001473228.8), dbSNP rs2149399824, ClinGen allele CA340613584.

ClinVar aggregate classification (germline): Uncertain significance (1 of 4 stars; one submission).

Conditions:
Developmental and epileptic encephalopathy, 23 (DEE23). Also called: Epileptic encephalopathy, early infantile, 23. Identifiers: Orphanet 411986, MedGen C4014492, MONDO:0014371, OMIM 615859.

Submission:

Labcorp Genetics (formerly Invitae), Labcorp
Classification: Uncertain significance for Developmental and epileptic encephalopathy, 23. Last evaluated: 2021-06-13. Review status: criteria provided, single submitter. Criteria: Invitae Variant Classification Sherloc (09022015). Collection method: clinical testing. Allele origin: germline.
Comment: Algorithms developed to predict the effect of missense changes on protein structure and function are either unavailable or do not agree on the potential impact of this missense change (SIFT: "Tolerated"; PolyPhen-2: "Probably Damaging"; Align-GVGD: "Class C0"). In summary, the available evidence is currently insufficient to determine the role of this variant in disease. Therefore, it has been classified as a Variant of Uncertain Significance. This variant has not been reported in the literature in individuals with DOCK7-related conditions. This sequence change replaces alanine with proline at codon 990 of the DOCK7 protein (p.Ala990Pro). The alanine residue is highly conserved and there is a small physicochemical difference between alanine and proline. This variant is not present in population databases (ExAC no frequency).